The following is an entry in ClinVar:

NM_001005498.4(RHBDF2):c.1029C>T (p.Gly343=)

Gene: RHBDF2 (rhomboid 5 homolog 2; minus strand). Cytogenetic location: 17q25.1.
Variant type: single nucleotide variant.
Coding change: c.1029C>T on transcript NM_001005498.4 (MANE Select); coding-DNA position 1029, C replaced by T.
Protein change: p.Gly343=; no amino-acid change (glycine 343 retained).
Molecular consequence: synonymous variant. On other transcripts: non-coding transcript variant (3).
Genome position (GRCh38, 1-based): chr17:76,476,916, G>A on the plus strand (C>T on the coding strand, the complement: RHBDF2 is on the minus strand). VCF-style: chr17-76476916-G-A. GRCh37 (hg19) VCF-style: chr17-74472998-G-A.
Other names: c.1029C>T, p.Gly343= (NM_001376228.1, NM_001376229.1, NM_001376230.1); c.1116C>T, p.Gly372= (NM_024599.5).
Identifiers: ClinVar variation 325443 (VCV000325443.17), dbSNP rs61742551, ClinGen allele CA8787142.
Genomic context (GRCh38, chr17:76,476,916, plus strand): 5'-CCGCTGCACAGTGCTGCTGATGCTGCGGCGGTAGCTGCGGTTCAGCCAGTTGCCCACCAC[G>A]CCGAGGCCGTAGTGCCGCTTCTTCCGATCAAAGGCAAAGTGCTTCACCTTGGAGGCGATG-3'
Protein context (NP_001005498.2, residues 333-353): FDRKKRHYGL[Gly343=]VVGNWLNRSY

ClinVar aggregate classification (germline): Benign. Review status: criteria provided, multiple submitters, no conflicts (2 of 4 stars). 5 submissions from 5 submitters: Benign (4). 1 of the submissions does not count toward it. Last evaluated 2026-01-27.

Conditions:
Palmoplantar keratoderma-esophageal carcinoma syndrome (TOC). Also called: KERATOSIS PALMARIS ET PLANTARIS WITH ESOPHAGEAL CANCER; PALMOPLANTAR KERATODERMA WITH ESOPHAGEAL CANCER; Tylosis with Esophageal Cancer. Identifiers: Orphanet 2198, MedGen C1835664, MONDO:0007856, OMIM 148500.
RHBDF2-related disorder. Also called: RHBDF2-related condition.

Allele frequency attached by ClinVar (database versions not stated): gnomAD exomes 0.02858 and 0.04602; ESP Exome Variant Server 0.04499; ExAC 0.04863; gnomAD 0.04902 and 0.05156; TOPMed 0.05572; 1000 Genomes Project 30x 0.08807; 1000 Genomes Project 0.08866.
gnomAD v4.1: 49,935 of 1,613,682 alleles (3.1%); highest among the groups gnomAD compares: South Asian, 12%; 1,990 homozygotes.

Submissions (23):

Labcorp Genetics (formerly Invitae), Labcorp
Classification: Benign. Last evaluated: 2026-01-27. Review status: criteria provided, single submitter. Criteria: Invitae Variant Classification Sherloc (09022015). Collection method: clinical testing. Allele origin: germline.

KCCC/NGS Laboratory, Kuwait Cancer Control Center
Classification: Benign for Palmoplantar keratoderma-esophageal carcinoma syndrome. Last evaluated: 2023-07-07. Review status: criteria provided, single submitter. Criteria: ACMG Guidelines, 2015. Collection method: clinical testing. Allele origin: germline. Affected: yes.

Illumina Laboratory Services, Illumina
Classification: Benign for Palmoplantar keratoderma-esophageal carcinoma syndrome. Last evaluated: 2018-01-13. Review status: criteria provided, single submitter. Criteria: ICSL Variant Classification Criteria 13 December 2019. Collection method: clinical testing. Allele origin: germline.
Comment: This variant was observed in the ICSL laboratory as part of a predisposition screen in an ostensibly healthy population. It had not been previously curated by ICSL or reported in the Human Gene Mutation Database (HGMD: prior to June 1st, 2018), and was therefore a candidate for classification through an automated scoring system. Utilizing variant allele frequency, disease prevalence and penetrance estimates, and inheritance mode, an automated score was calculated to assess if this variant is too frequent to cause the disease. Based on the score and internal cut-off values, a variant classified as benign is not then subjected to further curation. The score for this variant resulted in a classification of benign for this disease.

Breakthrough Genomics
Classification: Benign. Review status: criteria provided, single submitter. Criteria: ACMG Guidelines, 2015. Collection method: not provided. Allele origin: germline. Inheritance: Autosomal dominant inheritance. Affected: yes.

PreventionGenetics, part of Exact Sciences
Classification: Benign for RHBDF2-related condition. Last evaluated: 2024-01-04. Review status: no assertion criteria provided. Collection method: clinical testing. Allele origin: germline. Not counted in ClinVar's aggregate classification.
Comment: This variant is classified as benign based on ACMG/AMP sequence variant interpretation guidelines (Richards et al. 2015 PMID: 25741868, with internal and published modifications).

Dr. Peter K. Rogan Lab, Western University
No classification provided (evidence only). Condition: Acute myeloid leukemia. Review status: no classification provided. Collection method: in vitro. Allele origin: not applicable. Functional consequence: retained intron. Not counted in ClinVar's aggregate classification.

Dr. Peter K. Rogan Lab, Western University
No classification provided (evidence only). Condition: Colon adenocarcinoma. Review status: no classification provided. Collection method: in vitro. Allele origin: not applicable. Functional consequence: retained intron. Not counted in ClinVar's aggregate classification.

Dr. Peter K. Rogan Lab, Western University
No classification provided (evidence only). Condition: Colorectal cancer. Review status: no classification provided. Collection method: in vitro. Allele origin: not applicable. Functional consequence: retained intron. Not counted in ClinVar's aggregate classification.

Dr. Peter K. Rogan Lab, Western University
No classification provided (evidence only). Condition: Sarcoma. Review status: no classification provided. Collection method: in vitro. Allele origin: not applicable. Functional consequence: retained intron. Not counted in ClinVar's aggregate classification.

Dr. Peter K. Rogan Lab, Western University
No classification provided (evidence only). Condition: Sarcoma. Review status: no classification provided. Collection method: in vitro. Allele origin: not applicable. Functional consequence: retained intron. Not counted in ClinVar's aggregate classification.

Dr. Peter K. Rogan Lab, Western University
No classification provided (evidence only). Condition: Sarcoma. Review status: no classification provided. Collection method: in vitro. Allele origin: not applicable. Functional consequence: retained intron. Not counted in ClinVar's aggregate classification.

Dr. Peter K. Rogan Lab, Western University
No classification provided (evidence only). Condition: Malignant lymphoma, large B-cell, diffuse. Review status: no classification provided. Collection method: in vitro. Allele origin: not applicable. Functional consequence: retained intron. Not counted in ClinVar's aggregate classification.

Dr. Peter K. Rogan Lab, Western University
No classification provided (evidence only). Condition: Malignant lymphoma, large B-cell, diffuse. Review status: no classification provided. Collection method: in vitro. Allele origin: not applicable. Functional consequence: retained intron. Not counted in ClinVar's aggregate classification.

Dr. Peter K. Rogan Lab, Western University
No classification provided (evidence only). Condition: Nonpapillary renal cell carcinoma. Review status: no classification provided. Collection method: in vitro. Allele origin: not applicable. Functional consequence: retained intron. Not counted in ClinVar's aggregate classification.

Dr. Peter K. Rogan Lab, Western University
No classification provided (evidence only). Condition: Thymoma. Review status: no classification provided. Collection method: in vitro. Allele origin: not applicable. Functional consequence: retained intron. Not counted in ClinVar's aggregate classification.

Dr. Peter K. Rogan Lab, Western University
No classification provided (evidence only). Condition: Thymoma. Review status: no classification provided. Collection method: in vitro. Allele origin: not applicable. Functional consequence: retained intron. Not counted in ClinVar's aggregate classification.

Dr. Peter K. Rogan Lab, Western University
No classification provided (evidence only). Condition: Cholangiocarcinoma. Review status: no classification provided. Collection method: in vitro. Allele origin: not applicable. Functional consequence: retained intron. Not counted in ClinVar's aggregate classification.

Dr. Peter K. Rogan Lab, Western University
No classification provided (evidence only). Condition: Cholangiocarcinoma. Review status: no classification provided. Collection method: in vitro. Allele origin: not applicable. Functional consequence: skipped exon. Not counted in ClinVar's aggregate classification.

Dr. Peter K. Rogan Lab, Western University
No classification provided (evidence only). Condition: Ovarian serous cystadenocarcinoma. Review status: no classification provided. Collection method: in vitro. Allele origin: not applicable. Functional consequence: retained intron. Not counted in ClinVar's aggregate classification.

Dr. Peter K. Rogan Lab, Western University
No classification provided (evidence only). Condition: Ovarian serous cystadenocarcinoma. Review status: no classification provided. Collection method: in vitro. Allele origin: not applicable. Functional consequence: retained intron. Not counted in ClinVar's aggregate classification.

Dr. Peter K. Rogan Lab, Western University
No classification provided (evidence only). Condition: Uterine carcinosarcoma. Review status: no classification provided. Collection method: in vitro. Allele origin: not applicable. Functional consequence: retained intron. Not counted in ClinVar's aggregate classification.

Dr. Peter K. Rogan Lab, Western University
No classification provided (evidence only). Condition: Malignant tumor of esophagus. Review status: no classification provided. Collection method: in vitro. Allele origin: not applicable. Functional consequence: retained intron. Not counted in ClinVar's aggregate classification.

Dr. Peter K. Rogan Lab, Western University
No classification provided (evidence only). Condition: Malignant tumor of esophagus. Review status: no classification provided. Collection method: in vitro. Allele origin: not applicable. Functional consequence: retained intron. Not counted in ClinVar's aggregate classification.